The following is an entry in ClinVar:

NM_053025.4(MYLK):c.97C>T (p.Pro33Ser)

Gene: MYLK (myosin light chain kinase; minus strand). Cytogenetic location: 3q21.1.
Variant type: single nucleotide variant.
Coding change: c.97C>T on transcript NM_053025.4 (MANE Select); coding-DNA position 97, C replaced by T.
Protein change: p.Pro33Ser; replaces proline 33 with serine.
Molecular consequence: missense variant. On other transcripts: 5 prime UTR variant (1).
Genome position (GRCh38, 1-based): chr3:123,793,745, G>A on the plus strand (C>T on the coding strand, the complement: MYLK is on the minus strand). VCF-style: chr3-123793745-G-A. GRCh37 (hg19) VCF-style: chr3-123512592-G-A.
Other names: c.-224C>T (NM_001321309.2); c.97C>T, p.Pro33Ser (NM_053026.4, NM_053027.4, NM_053028.4); short protein forms P33S.
Identifiers: ClinVar variation 1006160 (VCV001006160.10), dbSNP rs770959360, ClinGen allele CA354236609.

ClinVar aggregate classification (germline): Uncertain significance. Review status: criteria provided, multiple submitters, no conflicts (2 of 4 stars). 2 submissions from 2 submitters: Uncertain significance (2). Last evaluated 2024-10-03.

Conditions:
Aortic aneurysm, familial thoracic 7 (AAT7). Also called: AORTIC DISSECTION, FAMILIAL, WITH OR WITHOUT AORTIC ANEURYSM. Identifiers: MedGen C3151077, MONDO:0013418, OMIM 613780.
Familial thoracic aortic aneurysm and aortic dissection (TAAD). Also called: Thoracic aortic aneurysms and dissections. Identifiers: Orphanet 91387, MedGen C4707243, MONDO:0019625.

Allele frequency attached by ClinVar (database versions not stated): TOPMed below 0.00001; gnomAD 0.00001.
gnomAD v4.1: 13 of 1,614,036 alleles (0.00081%); highest among the groups gnomAD compares: African/African-American, 0.0027%; no homozygotes.

Submissions (2):

Labcorp Genetics (formerly Invitae), Labcorp
Classification: Uncertain significance for Aortic aneurysm, familial thoracic 7. Last evaluated: 2024-10-03. Review status: criteria provided, single submitter. Criteria: Invitae Variant Classification Sherloc (09022015). Collection method: clinical testing. Allele origin: germline.
Comment: This sequence change replaces proline, which is neutral and non-polar, with serine, which is neutral and polar, at codon 33 of the MYLK protein (p.Pro33Ser). This variant is not present in population databases (gnomAD no frequency). This variant has not been reported in the literature in individuals affected with MYLK-related conditions. ClinVar contains an entry for this variant (Variation ID: 1006160). Invitae Evidence Modeling of protein sequence and biophysical properties (such as structural, functional, and spatial information, amino acid conservation, physicochemical variation, residue mobility, and thermodynamic stability) indicates that this missense variant is not expected to disrupt MYLK protein function with a negative predictive value of 95%. In summary, the available evidence is currently insufficient to determine the role of this variant in disease. Therefore, it has been classified as a Variant of Uncertain Significance.

Ambry Genetics
Classification: Uncertain significance for Familial thoracic aortic aneurysm and aortic dissection. Last evaluated: 2022-10-02. Review status: criteria provided, single submitter. Criteria: Ambry Variant Classification Scheme 2023. Collection method: clinical testing. Allele origin: germline.
Comment: The p.P33S variant (also known as c.97C>T), located in coding exon 1 of the MYLK gene, results from a C to T substitution at nucleotide position 97. The proline at codon 33 is replaced by serine, an amino acid with similar properties. This amino acid position is conserved. In addition, the in silico prediction for this alteration is inconclusive. Since supporting evidence is limited at this time, the clinical significance of this alteration remains unclear.